The following is an entry in ClinVar:

NM_001367868.2(PLIN4):c.954del (p.Ile319fs)

Gene: PLIN4 (perilipin 4; minus strand). Cytogenetic location: 19p13.3.
Variant type: Deletion.
Coding change: c.954del on transcript NM_001367868.2 (MANE Select); coding-DNA position 954, one base deleted (C; older notation c.954delC).
Protein change: p.Ile319fs; shifts the reading frame from isoleucine 319.
Molecular consequence: frameshift variant.
Genome position (GRCh38, 1-based): chr19:4,513,006, G deleted on the plus strand (C on the coding strand, the reverse complement: PLIN4 is on the minus strand); the first of 2 consecutive G bases (chr19:4,513,006-4,513,007); deleting either gives the same sequence. VCF-style (leftmost placement, unchanged base first): chr19-4513005-TG-T. GRCh37 (hg19) VCF-style: chr19-4513017-TG-T.
Other names: c.957del, p.Ile320fs (NM_001393888.1, NM_001393889.1); c.954del, p.Ile319fs (NM_001393890.1, NM_001393891.1); short protein forms I319fs, I320fs.
Identifiers: ClinVar variation 4876776 (VCV004876776.1).

ClinVar aggregate classification (germline): Likely pathogenic (1 of 4 stars; one submission).

Conditions:
Vacuolar Neuromyopathy (MRUPAV). Also called: MYOPATHY WITH RIMMED UBIQUITIN-POSITIVE AUTOPHAGIC VACUOLATION, AUTOSOMAL DOMINANT; PLIN4-related distal myopathy. Identifiers: Orphanet 696063, MedGen C1866139, MONDO:0011155, OMIM 601846.

Submission:

Human Genetics Bochum, Ruhr University Bochum
Classification: Likely pathogenic for Vacuolar Neuromyopathy. Last evaluated: 2026-01-05. Review status: criteria provided, single submitter. Criteria: ACMG Guidelines, 2015. Collection method: clinical testing. Allele origin: germline. Affected: yes.
Comment: ACMG criteria used to clasify this variant: PVS1, PM2_SUP